The following is an entry in ClinVar:

NM_000179.3(MSH6):c.3398C>G (p.Thr1133Ser)

Gene: MSH6 (mutS homolog 6; plus strand). Cytogenetic location: 2p16.3.
Variant type: single nucleotide variant.
Coding change: c.3398C>G on transcript NM_000179.3 (MANE Select); coding-DNA position 3398, C replaced by G.
Protein change: p.Thr1133Ser; replaces threonine 1133 with serine.
Molecular consequence: missense variant.
Genome position (GRCh38, 1-based): chr2:47,803,645, C>G. VCF-style: chr2-47803645-C-G. GRCh37 (hg19) VCF-style: chr2-48030784-C-G.
Other names: c.3008C>G, p.Thr1003Ser (NM_001281492.2); c.2492C>G, p.Thr831Ser (NM_001281493.2, NM_001281494.2); short protein forms T1003S, T1133S, T831S.
Identifiers: ClinVar variation 823719 (VCV000823719.7), dbSNP rs730881805, ClinGen allele CA346758867.

ClinVar aggregate classification (germline): Uncertain significance. Review status: criteria provided, multiple submitters, no conflicts (2 of 4 stars). 2 submissions from 2 submitters: Uncertain significance (2). Last evaluated 2022-11-12.

Conditions:
Hereditary cancer-predisposing syndrome. Also called: Neoplastic Syndromes, Hereditary; Tumor predisposition; Hereditary neoplastic syndrome; Hereditary Cancer Syndrome. Identifiers: Orphanet 140162, MedGen C0027672, MeSH D009386, MONDO:0015356.
Hereditary nonpolyposis colorectal neoplasms. Identifiers: MedGen C0009405, MeSH D003123.

Submissions (2):

Labcorp Genetics (formerly Invitae), Labcorp
Classification: Uncertain significance for Hereditary nonpolyposis colorectal neoplasms. Last evaluated: 2022-11-12. Review status: criteria provided, single submitter. Criteria: Invitae Variant Classification Sherloc (09022015). Collection method: clinical testing. Allele origin: germline.
Comment: In summary, the available evidence is currently insufficient to determine the role of this variant in disease. Therefore, it has been classified as a Variant of Uncertain Significance. Algorithms developed to predict the effect of missense changes on protein structure and function (SIFT, PolyPhen-2, Align-GVGD) all suggest that this variant is likely to be disruptive. ClinVar contains an entry for this variant (Variation ID: 823719). This sequence change replaces threonine, which is neutral and polar, with serine, which is neutral and polar, at codon 1133 of the MSH6 protein (p.Thr1133Ser). This variant is not present in population databases (gnomAD no frequency). This variant has not been reported in the literature in individuals affected with MSH6-related conditions.

Ambry Genetics
Classification: Uncertain significance for Hereditary cancer-predisposing syndrome. Last evaluated: 2018-10-11. Review status: criteria provided, single submitter. Criteria: Ambry Variant Classification Scheme 2023. Collection method: clinical testing. Allele origin: germline.
Comment: The p.T1133S variant (also known as c.3398C>G), located in coding exon 5 of the MSH6 gene, results from a C to G substitution at nucleotide position 3398. The threonine at codon 1133 is replaced by serine, an amino acid with similar properties. This amino acid position is highly conserved in available vertebrate species. In addition, this alteration is predicted to be deleterious by in silico analysis. In addition, the CoDP in silico tool predicts this alteration to have minor impact on molecular function, with a score of 0.542 (Terui H et al. J. Biomed. Sci. 2013 Apr;20:25). Since supporting evidence is limited at this time, the clinical significance of this alteration remains unclear.